The following is an entry in ClinVar:

NM_006231.4(POLE):c.10A>G (p.Arg4Gly)

Genes: POLE (DNA polymerase epsilon, catalytic subunit; minus strand), LOC130009266 (ATAC-STARR-seq lymphoblastoid silent region 5123; plus strand). Cytogenetic location: 12q24.33.
Variant type: single nucleotide variant.
Coding change: c.10A>G on transcript NM_006231.4 (MANE Select); coding-DNA position 10, A replaced by G.
Protein change: p.Arg4Gly; replaces arginine 4 with glycine.
Molecular consequence: missense variant.
Genome position (GRCh38, 1-based): chr12:132,687,306, T>C on the plus strand (A>G on the coding strand, the complement: POLE is on the minus strand). VCF-style: chr12-132687306-T-C. GRCh37 (hg19) VCF-style: chr12-133263892-T-C.
Other names: c.10A>G (NM_006231.2); short protein forms R4G.
Identifiers: ClinVar variation 473435 (VCV000473435.12), dbSNP rs1010746038, ClinGen allele CA246308278.
Genomic context (GRCh38, chr12:132,687,306, plus strand): 5'-CCCCTCACCTGCTGGCCTCGCCATCCGCGCCTGGGTCCGCGCGCCGCCGCCCGCCGCTCC[T>C]CAGAGACATGGAGCCGTTGGCTACCACCTCTGCTTCAGGGGAGAAATTTGGCGCGCTCCC-3'
Protein context (NP_006222.2, residues 1-14): MSL[Arg4Gly]SGGRRRADPG

ClinVar aggregate classification (germline): Conflicting classifications of pathogenicity. Review status: criteria provided, conflicting classifications (1 of 4 stars). 2 submissions from 2 submitters: Uncertain significance (1); Likely benign (1). Last evaluated 2025-12-01.

Conditions:
Hereditary cancer-predisposing syndrome. Also called: Neoplastic Syndromes, Hereditary; Tumor predisposition; Hereditary Cancer Syndrome; Hereditary neoplastic syndrome. Identifiers: Orphanet 140162, MedGen C0027672, MeSH D009386, MONDO:0015356.

Allele frequency attached by ClinVar (database versions not stated): gnomAD exomes below 0.00001.
gnomAD v4.1: 2 of 1,503,744 alleles (0.00013%); highest among the groups gnomAD compares: Non-Finnish European, 0.000089%; no homozygotes.

Submissions (2):

Labcorp Genetics (formerly Invitae), Labcorp
Classification: Uncertain significance. Last evaluated: 2025-12-01. Review status: criteria provided, single submitter. Criteria: Invitae Variant Classification Sherloc (09022015). Collection method: clinical testing. Allele origin: germline.
Comment: This sequence change replaces arginine, which is basic and polar, with glycine, which is neutral and non-polar, at codon 4 of the POLE protein (p.Arg4Gly). The frequency data for this variant in the population databases is considered unreliable, as metrics indicate poor data quality at this position in the gnomAD database. This variant has not been reported in the literature in individuals affected with POLE-related conditions. ClinVar contains an entry for this variant (Variation ID: 473435). Experimental studies and prediction algorithms are not available or were not evaluated, and the functional significance of this variant is currently unknown. In summary, the available evidence is currently insufficient to determine the role of this variant in disease. Therefore, it has been classified as a Variant of Uncertain Significance.

Ambry Genetics
Classification: Likely benign for Hereditary cancer-predisposing syndrome. Last evaluated: 2025-05-05. Review status: criteria provided, single submitter. Criteria: Ambry Variant Classification Scheme 2023. Collection method: clinical testing. Allele origin: germline.